The following is an entry in ClinVar:

NM_001378418.1(TCF20):c.5156A>G (p.Asp1719Gly)

Gene: TCF20 (transcription factor 20; minus strand). Cytogenetic location: 22q13.2.
Variant type: single nucleotide variant.
Coding change: c.5156A>G on transcript NM_001378418.1 (MANE Select); coding-DNA position 5156, A replaced by G.
Protein change: p.Asp1719Gly; replaces aspartic acid 1719 with glycine.
Molecular consequence: missense variant.
Genome position (GRCh38, 1-based): chr22:42,210,150, T>C on the plus strand (A>G on the coding strand, the complement: TCF20 is on the minus strand). VCF-style: chr22-42210150-T-C. GRCh37 (hg19) VCF-style: chr22-42606156-T-C.
Other names: c.5156A>G, p.Asp1719Gly (NM_005650.4, NM_181492.3); short protein forms D1719G.
Identifiers: ClinVar variation 5009522 (VCV005009522.1).

ClinVar aggregate classification (germline): Uncertain significance (1 of 4 stars; one submission).

Submission:

GeneDx
Classification: Uncertain significance. Last evaluated: 2026-03-19. Review status: criteria provided, single submitter. Criteria: GeneDx Variant Classification Process June 2021. Collection method: clinical testing. Allele origin: germline.
Comment: Not observed at significant frequency in large population cohorts (gnomAD); In silico analysis supports that this missense variant has a deleterious effect on protein structure/function; Has not been previously published as pathogenic or benign to our knowledge